The following is an entry in ClinVar:

NM_001004334.4(GPR179):c.2035C>T (p.Arg679Trp)

Gene: GPR179 (G protein-coupled receptor 179; minus strand). Cytogenetic location: 17q12.
Variant type: single nucleotide variant.
Coding change: c.2035C>T on transcript NM_001004334.4 (MANE Select); coding-DNA position 2035, C replaced by T.
Protein change: p.Arg679Trp; replaces arginine 679 with tryptophan.
Molecular consequence: missense variant.
Genome position (GRCh38, 1-based): chr17:38,333,253, G>A on the plus strand (C>T on the coding strand, the complement: GPR179 is on the minus strand). VCF-style: chr17-38333253-G-A. GRCh37 (hg19) VCF-style: chr17-36489136-G-A.
Other names: c.2035C>T (NM_001004334.3); short protein forms R679W.
Identifiers: ClinVar variation 1627357 (VCV001627357.11), dbSNP rs181203519, ClinGen allele CA290106813.

ClinVar aggregate classification (germline): Benign/Likely benign. Review status: criteria provided, multiple submitters, no conflicts (2 of 4 stars). 3 submissions from 3 submitters: Benign (1); Likely benign (1). 1 of the submissions does not count toward it. Last evaluated 2025-12-23.

Conditions:
GPR179-related disorder. Also called: GPR179-related condition.

Allele frequency attached by ClinVar (database versions not stated): 1000 Genomes Project 30x 0.00047; ESP Exome Variant Server 0.00054; 1000 Genomes Project 0.00060; ExAC 0.00086; gnomAD 0.00102 and 0.00107.
gnomAD v4.1: 730 of 1,613,650 alleles (0.045%); highest among the groups gnomAD compares: African/African-American, 0.11%; 3 homozygotes.

Submissions (3):

Labcorp Genetics (formerly Invitae), Labcorp
Classification: Benign. Last evaluated: 2025-12-23. Review status: criteria provided, single submitter. Criteria: Invitae Variant Classification Sherloc (09022015). Collection method: clinical testing. Allele origin: germline.

Blueprint Genetics
Classification: Likely benign. Last evaluated: 2024-02-20. Review status: criteria provided, single submitter. Criteria: ACMG Guidelines, 2015. Collection method: clinical testing. Allele origin: germline.

PreventionGenetics, part of Exact Sciences
Classification: Benign for GPR179-related condition. Last evaluated: 2019-11-12. Review status: no assertion criteria provided. Collection method: clinical testing. Allele origin: germline. Not counted in ClinVar's aggregate classification.
Comment: This variant is classified as benign based on ACMG/AMP sequence variant interpretation guidelines (Richards et al. 2015 PMID: 25741868, with internal and published modifications).